The following is an entry in ClinVar:

NM_003482.4(KMT2D):c.5181C>T (p.Pro1727=)

Gene: KMT2D (lysine methyltransferase 2D; minus strand). Cytogenetic location: 12q13.12.
Variant type: single nucleotide variant.
Coding change: c.5181C>T on transcript NM_003482.4 (MANE Select); coding-DNA position 5181, C replaced by T.
Protein change: p.Pro1727=; no amino-acid change (proline 1727 retained).
Molecular consequence: synonymous variant.
Genome position (GRCh38, 1-based): chr12:49,044,207, G>A on the plus strand (C>T on the coding strand, the complement: KMT2D is on the minus strand). VCF-style: chr12-49044207-G-A. GRCh37 (hg19) VCF-style: chr12-49437990-G-A.
Identifiers: ClinVar variation 282013 (VCV000282013.45), dbSNP rs201686029, ClinGen allele CA6547611.

ClinVar aggregate classification (germline): Conflicting classifications of pathogenicity. Review status: criteria provided, conflicting classifications (1 of 4 stars). 5 submissions from 5 submitters: Uncertain significance (1); Benign (1); Likely benign (3). Last evaluated 2026-05-01.

Conditions:
Kabuki syndrome. Also called: NIIKAWA-KUROKI SYNDROME; Kabuki make-up syndrome. Identifiers: Orphanet 2322, MedGen C0796004, MONDO:0016512.

Allele frequency attached by ClinVar (database versions not stated): 1000 Genomes Project 30x 0.00016; ESP Exome Variant Server 0.00016; 1000 Genomes Project 0.00020; gnomAD 0.00023; TOPMed 0.00024; ExAC 0.00034.
gnomAD v4.1: 360 of 1,611,336 alleles (0.022%); highest among the groups gnomAD compares: Middle Eastern, 0.4%; no homozygotes.

Submissions (5):

CeGaT Center for Human Genetics Tuebingen
Classification: Likely benign. Last evaluated: 2026-05-01. Review status: criteria provided, single submitter. Criteria: CeGaT Center For Human Genetics Tuebingen Variant Classification Criteria Version 2. Collection method: clinical testing. Allele origin: germline. Affected: yes. Observed: 8 variant alleles.
Comment: KMT2D: BP4, BP7

Labcorp Genetics (formerly Invitae), Labcorp
Classification: Likely benign for Kabuki syndrome. Last evaluated: 2026-01-22. Review status: criteria provided, single submitter. Criteria: Invitae Variant Classification Sherloc (09022015). Collection method: clinical testing. Allele origin: germline.

Blueprint Genetics
Classification: Likely benign. Last evaluated: 2024-11-04. Review status: criteria provided, single submitter. Criteria: ACMG Guidelines, 2015. Collection method: clinical testing. Allele origin: germline.

GeneDx
Classification: Benign. Last evaluated: 2020-03-12. Review status: criteria provided, single submitter. Criteria: GeneDx Variant Classification Process June 2021. Collection method: clinical testing. Allele origin: germline. Affected: yes.

Eurofins Ntd Llc (ga)
Classification: Uncertain significance. Last evaluated: 2015-07-22. Review status: criteria provided, single submitter. Criteria: EGL Classification Definitions 2015. Collection method: clinical testing. Allele origin: germline. Observed: 1 variant allele, 1 heterozygote.